The following is an entry in ClinVar:

ClinVar aggregate classification (germline): Uncertain significance. Review status: criteria provided, multiple submitters, no conflicts (2 of 4 stars). 2 submissions from 2 submitters: Uncertain significance (2). Last evaluated 2017-04-29.

Conditions:
Intellectual disability, CASK-related, X-linked. Identifiers: MedGen CN043158.

Submissions (2):

Labcorp Genetics (formerly Invitae), Labcorp
Classification: Uncertain significance for Intellectual disability, CASK-related, X-linked. Last evaluated: 2017-04-29. Review status: criteria provided, single submitter. Criteria: Invitae Variant Classification Sherloc (09022015). Collection method: clinical testing. Allele origin: germline.
Comment: Algorithms developed to predict the effect of missense changes on protein structure and function do not agree on the potential impact of this missense change (SIFT: "Deleterious"; PolyPhen-2: "Probably Damaging"; Align-GVGD: "Class C0"). In summary, this variant is a rare missense change with uncertain impact on protein function. There is no indication that it causes disease, but the available evidence is currently insufficient to prove that conclusively. Therefore, it has been classified as a Variant of Uncertain Significance. This variant is not present in population databases (ExAC no frequency) and has not been reported in the literature in individuals with a CASK-related disease. ClinVar contains an entry for this variant (Variation ID: 287563). This sequence change replaces glutamic acid with valine at codon 115 of the CASK protein (p.Glu115Val). The glutamic acid residue is highly conserved and there is a moderate physicochemical difference between glutamic acid and valine.

Eurofins Ntd Llc (ga)
Classification: Uncertain significance. Last evaluated: 2016-06-07. Review status: criteria provided, single submitter. Criteria: EGL Classification Definitions 2015. Collection method: clinical testing. Allele origin: germline. Observed: 1 variant allele, 1 hemizygote.

NM_001367721.1(CASK):c.344A>T (p.Glu115Val)

Gene: CASK (calcium/calmodulin dependent serine protein kinase; minus strand). Cytogenetic location: Xp11.4.
Variant type: single nucleotide variant.
Coding change: c.344A>T on transcript NM_001367721.1 (MANE Select); coding-DNA position 344, A replaced by T.
Protein change: p.Glu115Val; replaces glutamic acid 115 with valine.
Molecular consequence: missense variant.
Genome position (GRCh38, 1-based): chrX:41,745,536, T>A on the plus strand (A>T on the coding strand, the complement: CASK is on the minus strand). VCF-style: chrX-41745536-T-A. GRCh37 (hg19) VCF-style: chrX-41604789-T-A.
Other names: c.344A>T, p.Glu115Val (NM_001126054.3, NM_001126055.3, NM_001410745.1 and 1 more transcripts); short protein forms E115V.
Identifiers: ClinVar variation 287563 (VCV000287563.12), dbSNP rs886043662, ClinGen allele CA10605796.